The following is an entry in ClinVar:

NM_001395159.1(UNC79):c.6134-1G>A

Gene: UNC79 (unc-79 subunit of NALCN channel complex; plus strand). Cytogenetic location: 14q32.12.
Variant type: single nucleotide variant.
Coding change: c.6134-1G>A on transcript NM_001395159.1 (MANE Select); the canonical splice acceptor site of the intron before coding-DNA position 6134, G replaced by A.
Molecular consequence: splice acceptor variant.
Genome position (GRCh38, 1-based): chr14:93,641,144, G>A. VCF-style: chr14-93641144-G-A. GRCh37 (hg19) VCF-style: chr14-94107490-G-A.
Other names: c.5387-1G>A (NM_020818.5); c.6068-1G>A (NM_001346218.2).
Identifiers: ClinVar variation 4866332 (VCV004866332.1).

ClinVar aggregate classification (germline): Likely pathogenic (1 of 4 stars; one submission).

Conditions:
Inborn genetic diseases. Identifiers: MedGen C0950123, MeSH D030342.

Submission:

Ambry Genetics
Classification: Likely pathogenic for Inborn genetic diseases. Last evaluated: 2026-04-29. Review status: criteria provided, single submitter. Criteria: Ambry Variant Classification Scheme 2023. Collection method: clinical testing. Allele origin: germline.
Comment: The c.5387-1G>A intronic variant consists of a G to A substitution one nucleotide before exon 34 (coding exon 31) of the UNC79 gene. Variants that disrupt the canonical splice site are expected to cause aberrant splicing, resulting in an abnormal protein or a transcript that is subject to nonsense-mediated mRNA decay. This variant was not reported in population-based cohorts in the Genome Aggregation Database (gnomAD). This nucleotide position is highly conserved in available vertebrate species. In silico splice site analysis predicts that this alteration will weaken the native splice acceptor site and may result in the creation or strengthening of a novel splice acceptor site. Based on the available evidence, this alteration is classified as likely pathogenic.